The following is an entry in ClinVar:

ClinVar aggregate classification (germline): Conflicting classifications of pathogenicity. Review status: criteria provided, conflicting classifications (1 of 4 stars). 4 submissions from 3 submitters: Uncertain significance (1); Benign (1); Likely benign (2). Last evaluated 2026-09-01.

Conditions:
Autosomal recessive ataxia, Beauce type. Also called: Spinocerebellar ataxia, autosomal recessive 8; SYNE1-Related Autosomal Recessive Cerebellar Ataxia; SYNE1 Deficiency; ATAXIA, RECESSIVE, OF BEAUCE. Identifiers: Orphanet 88644, MedGen C1853116, MONDO:0012549, OMIM 610743.
Emery-Dreifuss muscular dystrophy 4, autosomal dominant (EDMD4). Also called: EMERY-DREIFUSS MUSCULAR DYSTROPHY 4 WITH VARIABLE FEATURES. Identifiers: Orphanet 261, MedGen C2751807, MONDO:0013071, OMIM 612998.

Allele frequency attached by ClinVar (database versions not stated): ExAC 0.00002; gnomAD exomes 0.00003 and 0.00010; gnomAD 0.00005; TOPMed 0.00011.
gnomAD v4.1: 50 of 1,614,048 alleles (0.0031%); highest among the groups gnomAD compares: Admixed American, 0.055%; no homozygotes.

Submissions (4):

CeGaT Center for Human Genetics Tuebingen
Classification: Likely benign. Last evaluated: 2026-09-01. Review status: criteria provided, single submitter. Criteria: CeGaT Center For Human Genetics Tuebingen Variant Classification Criteria Version 2. Collection method: clinical testing. Allele origin: germline. Affected: yes. Observed: 1 variant allele.
Comment: SYNE1: BP4, BP7

Labcorp Genetics (formerly Invitae), Labcorp
Classification: Likely benign for Emery-Dreifuss muscular dystrophy 4, autosomal dominant; Autosomal recessive ataxia, Beauce type. Last evaluated: 2024-12-31. Review status: criteria provided, single submitter. Criteria: Invitae Variant Classification Sherloc (09022015). Collection method: clinical testing. Allele origin: germline.

Illumina Laboratory Services, Illumina
Classification: Uncertain significance for Autosomal recessive ataxia, Beauce type. Last evaluated: 2018-01-13. Review status: criteria provided, single submitter. Criteria: ICSL Variant Classification Criteria 13 December 2019. Collection method: clinical testing. Allele origin: germline.

Illumina Laboratory Services, Illumina
Classification: Benign for Emery-Dreifuss muscular dystrophy 4, autosomal dominant. Last evaluated: 2018-01-13. Review status: criteria provided, single submitter. Criteria: ICSL Variant Classification Criteria 13 December 2019. Collection method: clinical testing. Allele origin: germline.
Comment: This variant was observed in the ICSL laboratory as part of a predisposition screen in an ostensibly healthy population. It had not been previously curated by ICSL or reported in the Human Gene Mutation Database (HGMD: prior to June 1st, 2018), and was therefore a candidate for classification through an automated scoring system. Utilizing variant allele frequency, disease prevalence and penetrance estimates, and inheritance mode, an automated score was calculated to assess if this variant is too frequent to cause the disease. Based on the score and internal cut-off values, a variant classified as benign is not then subjected to further curation. The score for this variant resulted in a classification of benign for this disease.

NM_182961.4(SYNE1):c.23919G>A (p.Thr7973=)

Gene: SYNE1 (spectrin repeat containing nuclear envelope protein 1; minus strand). Cytogenetic location: 6q25.2.
Variant type: single nucleotide variant.
Coding change: c.23919G>A on transcript NM_182961.4 (MANE Select); coding-DNA position 23919, G replaced by A.
Protein change: p.Thr7973=; no amino-acid change (threonine 7973 retained).
Molecular consequence: synonymous variant.
Genome position (GRCh38, 1-based): chr6:152,155,969, C>T on the plus strand (G>A on the coding strand, the complement: SYNE1 is on the minus strand). VCF-style: chr6-152155969-C-T. GRCh37 (hg19) VCF-style: chr6-152477104-C-T.
Other names: c.525G>A, p.Thr175= (NM_001347701.2); c.384G>A, p.Thr128= (NM_001347702.2); c.23706G>A, p.Thr7902= (NM_033071.5).
Identifiers: ClinVar variation 538414 (VCV000538414.13), dbSNP rs767628258, ClinGen allele CA4053319.